The following is an entry in ClinVar:

ClinVar aggregate classification (germline): Pathogenic (1 of 4 stars; one submission).

Conditions:
Neurofibromatosis, type 1 (NF1). Also called: Neurofibromatosis, type I; VON RECKLINGHAUSEN DISEASE; NEUROFIBROMATOSIS, TYPE I, SOMATIC; Peripheral type neurofibromatosis. Identifiers: Orphanet 636, MedGen C0027831, MONDO:0018975, OMIM 162200. Disease mechanism: loss of function.

Submission:

Labcorp Genetics (formerly Invitae), Labcorp
Classification: Pathogenic for Neurofibromatosis, type 1. Last evaluated: 2020-11-06. Review status: criteria provided, single submitter. Criteria: Invitae Variant Classification Sherloc (09022015). Collection method: clinical testing. Allele origin: germline.
Comment: This variant is not present in population databases (ExAC no frequency). This variant has not been reported in the literature in individuals with NF1-related conditions. For these reasons, this variant has been classified as Pathogenic. This sequence change creates a premature translational stop signal (p.Ser82Leufs*3) in the NF1 gene. It is expected to result in an absent or disrupted protein product. Loss-of-function variants in NF1 are known to be pathogenic (PMID: 10712197, 23913538).

Literature cited by the submitters: PubMed 10712197; PubMed 23913538.

NM_001042492.3(NF1):c.244del (p.Ser82fs)

Gene: NF1 (neurofibromin 1; plus strand). Cytogenetic location: 17q11.2.
Variant type: Deletion.
Coding change: c.244del on transcript NM_001042492.3 (MANE Select); coding-DNA position 244, one base deleted (T; older notation c.244delT).
Protein change: p.Ser82fs; shifts the reading frame from serine 82.
Molecular consequence: frameshift variant.
Genome position (GRCh38, 1-based): chr17:31,159,049, T deleted. VCF-style (leftmost placement, unchanged base first): chr17-31159048-CT-C. GRCh37 (hg19) VCF-style: chr17-29486066-CT-C.
Other names: c.244delT, p.Ser82Leufs (NM_000267.4); c.244del, p.Ser82fs (NM_001128147.3); short protein forms S82fs.
Identifiers: ClinVar variation 1455413 (VCV001455413.6), dbSNP rs2143646047, ClinGen allele CA2573153546.